The following is an entry in ClinVar:

NM_012193.4(FZD4):c.1397G>A (p.Arg466Gln)

Genes: FZD4 (frizzled class receptor 4; minus strand), PRSS23 (serine protease 23; plus strand). Cytogenetic location: 11q14.2.
Variant type: single nucleotide variant.
Coding change: c.1397G>A on transcript NM_012193.4 (MANE Select); coding-DNA position 1397, G replaced by A.
Protein change: p.Arg466Gln; replaces arginine 466 with glutamine.
Molecular consequence: missense variant. On other transcripts: non-coding transcript variant (2).
Genome position (GRCh38, 1-based): chr11:86,951,359, C>T on the plus strand (G>A on the coding strand, the complement: FZD4 is on the minus strand). VCF-style: chr11-86951359-C-T. GRCh37 (hg19) VCF-style: chr11-86662401-C-T.
Other names: short protein forms R466Q.
Identifiers: ClinVar variation 1039658 (VCV001039658.8), dbSNP rs375818153, ClinGen allele CA6218332.

ClinVar aggregate classification (germline): Uncertain significance (1 of 4 stars; one submission).

Allele frequency attached by ClinVar (database versions not stated): gnomAD 0.00001; gnomAD exomes 0.00002 and 0.00004; TOPMed 0.00003; ExAC 0.00004; ESP Exome Variant Server 0.00008.
gnomAD v4.1: 28 of 1,613,742 alleles (0.0017%); highest among the groups gnomAD compares: Admixed American, 0.017%; no homozygotes.

Submission:

Labcorp Genetics (formerly Invitae), Labcorp
Classification: Uncertain significance. Last evaluated: 2025-07-03. Review status: criteria provided, single submitter. Criteria: Invitae Variant Classification Sherloc (09022015). Collection method: clinical testing. Allele origin: germline.
Comment: This sequence change replaces arginine, which is basic and polar, with glutamine, which is neutral and polar, at codon 466 of the FZD4 protein (p.Arg466Gln). This variant is present in population databases (rs375818153, gnomAD 0.02%). This variant has not been reported in the literature in individuals affected with FZD4-related conditions. ClinVar contains an entry for this variant (Variation ID: 1039658). Invitae Evidence Modeling of protein sequence and biophysical properties (such as structural, functional, and spatial information, amino acid conservation, physicochemical variation, residue mobility, and thermodynamic stability) indicates that this missense variant is not expected to disrupt FZD4 protein function with a negative predictive value of 80%. In summary, the available evidence is currently insufficient to determine the role of this variant in disease. Therefore, it has been classified as a Variant of Uncertain Significance.